The following is an entry in ClinVar:

ClinVar aggregate classification (germline): Uncertain significance (1 of 4 stars; one submission).

Submission:

Labcorp Genetics (formerly Invitae), Labcorp
Classification: Uncertain significance. Last evaluated: 2022-06-27. Review status: criteria provided, single submitter. Criteria: Invitae Variant Classification Sherloc (09022015). Collection method: clinical testing. Allele origin: germline.
Comment: This variant, c.599_601del, results in the deletion of 1 amino acid(s) of the CFAP298 protein (p.Arg200del), but otherwise preserves the integrity of the reading frame. This variant is present in population databases (no rsID available, gnomAD 0.002%). This variant has not been reported in the literature in individuals affected with CFAP298-related conditions. Experimental studies and prediction algorithms are not available or were not evaluated, and the functional significance of this variant is currently unknown. In summary, the available evidence is currently insufficient to determine the role of this variant in disease. Therefore, it has been classified as a Variant of Uncertain Significance.

NM_021254.4(CFAP298):c.596GAA[1] (p.Arg200del)

Genes: CFAP298 (cilia and flagella associated protein 298; minus strand), CFAP298-TCP10L (CFAP298-TCP10L readthrough; minus strand). Cytogenetic location: 21q22.11.
Variant type: Microsatellite.
Coding change: c.596GAA[1] on transcript NM_021254.4 (MANE Select); one copy of the 3-base unit GAA starting at c.596; the reference has two copies in a row; one copy, 3 bases deleted.
Protein change: p.Arg200del; deletes arginine 200.
Molecular consequence: inframe deletion. On other transcripts: non-coding transcript variant (2).
Genome position (GRCh38, 1-based): chr21:32,603,226-32,603,228, TTC deleted on the plus strand (GAA on the coding strand, the reverse complement: CFAP298 is on the minus strand); deleting any 3 consecutive bases within chr21:32,603,226-32,603,232 gives the same sequence; the position shown is the placement nearest the transcript's 3' end. VCF-style (leftmost placement, unchanged base first): chr21-32603225-GTTC-G. GRCh37 (hg19) VCF-style: chr21-33975535-GTTC-G.
Other names: c.596GAA[1], p.Arg200del (NM_001350338.2, NM_001350335.2, NM_001350336.2 and 1 more transcripts); c.299GAA[1], p.Arg101del (NM_001350334.2); short protein forms R101del, R200del.
Identifiers: ClinVar variation 1410302 (VCV001410302.3), dbSNP rs1200040657, ClinGen allele CA638052182.